The following is an entry in ClinVar:

NM_013275.6(ANKRD11):c.5380G>A (p.Asp1794Asn)

Gene: ANKRD11 (ankyrin repeat domain 11; minus strand). Cytogenetic location: 16q24.3.
Variant type: single nucleotide variant.
Coding change: c.5380G>A on transcript NM_013275.6 (MANE Select); coding-DNA position 5380, G replaced by A.
Protein change: p.Asp1794Asn; replaces aspartic acid 1794 with asparagine.
Molecular consequence: missense variant.
Genome position (GRCh38, 1-based): chr16:89,281,162, C>T on the plus strand (G>A on the coding strand, the complement: ANKRD11 is on the minus strand). VCF-style: chr16-89281162-C-T. GRCh37 (hg19) VCF-style: chr16-89347570-C-T.
Other names: c.5380G>A, p.Asp1794Asn (NM_001256182.2, NM_001256183.2); short protein forms D1794N.
Identifiers: ClinVar variation 962602 (VCV000962602.9), dbSNP rs771309106, ClinGen allele CA8241858.

ClinVar aggregate classification (germline): Uncertain significance (1 of 4 stars; one submission).

Conditions:
KBG syndrome (KBGS). Also called: ANKRD11-Related KBG Syndrome. Identifiers: Orphanet 2332, MedGen C0220687, MONDO:0007846, OMIM 148050.

gnomAD v4.1: 2 of 1,614,106 alleles (0.00012%); highest among the groups gnomAD compares: Admixed American, 0.0033%; no homozygotes.

Submission:

Labcorp Genetics (formerly Invitae), Labcorp
Classification: Uncertain significance for KBG syndrome. Last evaluated: 2023-08-10. Review status: criteria provided, single submitter. Criteria: Invitae Variant Classification Sherloc (09022015). Collection method: clinical testing. Allele origin: germline.
Comment: ClinVar contains an entry for this variant (Variation ID: 962602). This variant has not been reported in the literature in individuals affected with ANKRD11-related conditions. This variant is present in population databases (rs771309106, gnomAD 0.006%). This sequence change replaces aspartic acid, which is acidic and polar, with asparagine, which is neutral and polar, at codon 1794 of the ANKRD11 protein (p.Asp1794Asn). Advanced modeling of protein sequence and biophysical properties (such as structural, functional, and spatial information, amino acid conservation, physicochemical variation, residue mobility, and thermodynamic stability) performed at Invitae indicates that this missense variant is not expected to disrupt ANKRD11 protein function. In summary, the available evidence is currently insufficient to determine the role of this variant in disease. Therefore, it has been classified as a Variant of Uncertain Significance.